The following is an entry in ClinVar:

ClinVar aggregate classification (germline): Uncertain significance (1 of 4 stars; one submission).

Conditions:
Leukocyte adhesion deficiency 1 (LAD1). Also called: LEUKOCYTE ADHESION DEFICIENCY, TYPE I; LAD 1; Lymphocyte function-associated antigen 1 immunodeficiency; LFA 1 immunodeficiency. Identifiers: Orphanet 2968, Orphanet 99842, MedGen C0398738, MONDO:0007293, OMIM 116920.

Allele frequency attached by ClinVar (database versions not stated): TOPMed below 0.00001; ExAC 0.00001; gnomAD 0.00001; gnomAD exomes 0.00001.
gnomAD v4.1: 7 of 1,613,298 alleles (0.00043%); highest among the groups gnomAD compares: Admixed American, 0.0017%; no homozygotes.

Submission:

Labcorp Genetics (formerly Invitae), Labcorp
Classification: Uncertain significance for Leukocyte adhesion deficiency 1. Last evaluated: 2022-08-16. Review status: criteria provided, single submitter. Criteria: Invitae Variant Classification Sherloc (09022015). Collection method: clinical testing. Allele origin: germline.
Comment: This sequence change replaces arginine, which is basic and polar, with glutamine, which is neutral and polar, at codon 429 of the ITGB2 protein (p.Arg429Gln). This variant is present in population databases (rs775531955, gnomAD 0.006%). This variant has not been reported in the literature in individuals affected with ITGB2-related conditions. ClinVar contains an entry for this variant (Variation ID: 1007505). Algorithms developed to predict the effect of missense changes on protein structure and function are either unavailable or do not agree on the potential impact of this missense change (SIFT: "Deleterious"; PolyPhen-2: "Benign"; Align-GVGD: "Class C35"). Algorithms developed to predict the effect of sequence changes on RNA splicing suggest that this variant may create or strengthen a splice site. In summary, the available evidence is currently insufficient to determine the role of this variant in disease. Therefore, it has been classified as a Variant of Uncertain Significance.

NM_000211.5(ITGB2):c.1286G>A (p.Arg429Gln)

Gene: ITGB2 (integrin subunit beta 2; minus strand). Cytogenetic location: 21q22.3.
Variant type: single nucleotide variant.
Coding change: c.1286G>A on transcript NM_000211.5 (MANE Select); coding-DNA position 1286, G replaced by A.
Protein change: p.Arg429Gln; replaces arginine 429 with glutamine.
Molecular consequence: missense variant.
Genome position (GRCh38, 1-based): chr21:44,891,935, C>T on the plus strand (G>A on the coding strand, the complement: ITGB2 is on the minus strand). VCF-style: chr21-44891935-C-T. GRCh37 (hg19) VCF-style: chr21-46311850-C-T.
Other names: c.1286G>A, p.Arg429Gln (NM_001127491.3); c.1079G>A, p.Arg360Gln (NM_001303238.2); short protein forms R360Q, R429Q.
Identifiers: ClinVar variation 1007505 (VCV001007505.4), dbSNP rs775531955, ClinGen allele CA10062867.